The following is an entry in ClinVar:

ClinVar aggregate classification (germline): Conflicting classifications of pathogenicity. Review status: criteria provided, conflicting classifications (1 of 4 stars). 3 submissions from 3 submitters: Uncertain significance (2); Likely benign (1). Last evaluated 2025-08-14.

Submissions (3):

GeneDx
Classification: Uncertain significance. Last evaluated: 2025-08-14. Review status: criteria provided, single submitter. Criteria: GeneDx Variant Classification Process June 2021. Collection method: clinical testing. Allele origin: germline. Affected: yes.
Comment: Has not been previously published as pathogenic or benign to our knowledge; In silico analysis suggests that this variant does not alter splicing

Labcorp Genetics (formerly Invitae), Labcorp
Classification: Likely benign. Last evaluated: 2025-06-22. Review status: criteria provided, single submitter. Criteria: Invitae Variant Classification Sherloc (09022015). Collection method: clinical testing. Allele origin: germline.

CeGaT Center for Human Genetics Tuebingen
Classification: Uncertain significance. Last evaluated: 2023-08-01. Review status: criteria provided, single submitter. Criteria: CeGaT Center For Human Genetics Tuebingen Variant Classification Criteria Version 2. Collection method: clinical testing. Allele origin: germline. Affected: yes. Observed: 1 variant allele.
Comment: DNM1L: PM2:Supporting, BP4

NM_012062.5(DNM1L):c.457-10_457-7del

Gene: DNM1L (dynamin 1L; plus strand). Cytogenetic location: 12p11.21.
Variant type: Deletion.
Coding change: c.457-10_457-7del on transcript NM_012062.5 (MANE Select); 10 bases into the intron before coding-DNA position 457 through 7 bases into the intron before coding-DNA position 457, 4 bases deleted (TTTG; older notation c.457-10_457-7delTTTG).
Molecular consequence: intron variant.
Genome position (GRCh38, 1-based): chr12:32,713,199-32,713,202, TTTG deleted; deleting any 4 consecutive bases within chr12:32,713,197-32,713,202 gives the same sequence; the c. name uses the placement nearest the transcript's 3' end. VCF-style (leftmost placement, unchanged base first): chr12-32713196-CTGTT-C. GRCh37 (hg19) VCF-style: chr12-32866130-CTGTT-C.
Other names: c.496-10_496-7del (NM_001278464.2, NM_001278465.2, NM_001330380.2); c.131+5786_131+5789del (NM_001278466.2); c.457-10_457-7del (NM_001278463.2, NM_012063.4, NM_005690.5).
Identifiers: ClinVar variation 1621770 (VCV001621770.33), dbSNP rs769118365, ClinGen allele CA6507353.